The following is an entry in ClinVar:

NM_004655.4(AXIN2):c.293del (p.Phe98fs)

Gene: AXIN2 (axin 2; minus strand). Cytogenetic location: 17q24.1.
Variant type: Deletion.
Coding change: c.293del on transcript NM_004655.4 (MANE Select); coding-DNA position 293, one base deleted (T; older notation c.293delT).
Protein change: p.Phe98fs; shifts the reading frame from phenylalanine 98.
Molecular consequence: frameshift variant.
Genome position (GRCh38, 1-based): chr17:65,558,328, A deleted on the plus strand (T on the coding strand, the reverse complement: AXIN2 is on the minus strand); the first of 3 consecutive A bases (chr17:65,558,328-65,558,330); deleting any one gives the same sequence. VCF-style (leftmost placement, unchanged base first): chr17-65558327-GA-G. GRCh37 (hg19) VCF-style: chr17-63554445-GA-G.
Other names: c.293del, p.Phe98fs (NM_001363813.1); short protein forms F98fs.
Identifiers: ClinVar variation 2125304 (VCV002125304.4), dbSNP rs2544252708, ClinGen allele CA2580095118.

ClinVar aggregate classification (germline): Pathogenic (1 of 4 stars; one submission).

Conditions:
Oligodontia-cancer predisposition syndrome. Also called: TOOTH AGENESIS-COLORECTAL CANCER SYNDROME. Identifiers: Orphanet 300576, MedGen C1837750, MONDO:0012075, OMIM 608615. Disease mechanism: loss of function.

Submission:

Labcorp Genetics (formerly Invitae), Labcorp
Classification: Pathogenic for Oligodontia-cancer predisposition syndrome. Last evaluated: 2022-04-13. Review status: criteria provided, single submitter. Criteria: Invitae Variant Classification Sherloc (09022015). Collection method: clinical testing. Allele origin: germline.
Comment: This sequence change creates a premature translational stop signal (p.Phe98Serfs*11) in the AXIN2 gene. It is expected to result in an absent or disrupted protein product. Loss-of-function variants in AXIN2 are known to be pathogenic (PMID: 15042511, 21416598). This variant is not present in population databases (gnomAD no frequency). This variant has not been reported in the literature in individuals affected with AXIN2-related conditions. For these reasons, this variant has been classified as Pathogenic.

Literature cited by the submitters: PubMed 15042511; PubMed 21416598.